The following is an entry in ClinVar:

ClinVar aggregate classification (germline): Likely pathogenic (1 of 4 stars; one submission).

Conditions:
Familial cancer of breast. Also called: Hereditary breast cancer; hereditary breast carcinoma; BREAST CANCER, FAMILIAL. Identifiers: Orphanet 227535, MedGen C0346153, MONDO:0016419, OMIM 114480. Disease mechanism: loss of function.

Submission:

Labcorp Genetics (formerly Invitae), Labcorp
Classification: Likely pathogenic for Familial cancer of breast. Last evaluated: 2022-10-16. Review status: criteria provided, single submitter. Criteria: Invitae Variant Classification Sherloc (09022015). Collection method: clinical testing. Allele origin: germline.
Comment: This variant results in a copy number gain of the genomic region encompassing exon(s) 3-4 of the CHEK2 gene. While the exact position of this variant cannot be determined from the data, sub-genic copy number gains are generally in tandem (PMID: 25640679). This variant is predicted to be in-frame, and likely preserves the integrity of the reading frame. A similar copy number variant has been observed in individual(s) with breast cancer and prostate cancer (PMID: 32906215; Invitae). It has also been observed to segregate with disease in related individuals. ClinVar contains an entry for this variant (Variation ID: 216002). In summary, the currently available evidence indicates that the variant is pathogenic, but additional data are needed to prove that conclusively. Therefore, this variant has been classified as Likely Pathogenic.

Literature cited by the submitters: PubMed 25640679; PubMed 32906215.

NC_000022.10:g.(?_29120955)_(29121365_?)dup

Gene: CHEK2 (checkpoint kinase 2; minus strand). Cytogenetic location: 22q12.1.
Variant type: Duplication.
Identifiers: ClinVar variation 583612 (VCV000583612.8).